The following is an entry in ClinVar:

NM_032188.3(KAT8):c.1130G>A (p.Arg377Gln)

Gene: KAT8 (lysine acetyltransferase 8; plus strand). Cytogenetic location: 16p11.2.
Variant type: single nucleotide variant.
Coding change: c.1130G>A on transcript NM_032188.3 (MANE Select); coding-DNA position 1130, G replaced by A.
Protein change: p.Arg377Gln; replaces arginine 377 with glutamine.
Molecular consequence: missense variant.
Genome position (GRCh38, 1-based): chr16:31,130,579, G>A. VCF-style: chr16-31130579-G-A. GRCh37 (hg19) VCF-style: chr16-31141900-G-A.
Other names: c.1130G>A, p.Arg377Gln (NM_182958.4); short protein forms R377Q.
Identifiers: ClinVar variation 3391604 (VCV003391604.1).

ClinVar aggregate classification (germline): Uncertain significance (1 of 4 stars; one submission).

gnomAD v4.1: 1 of 1,614,090 alleles (0.000062%); highest among the groups gnomAD compares: Non-Finnish European, 0.000085%; no homozygotes.

Submission:

GeneDx
Classification: Uncertain significance. Last evaluated: 2024-06-14. Review status: criteria provided, single submitter. Criteria: GeneDx Variant Classification Process June 2021. Collection method: clinical testing. Allele origin: germline. Affected: yes.
Comment: Not observed at significant frequency in large population cohorts (gnomAD); In silico analysis indicates that this missense variant does not alter protein structure/function; Has not been previously published as pathogenic or benign to our knowledge